The following is an entry in ClinVar:

NM_001613.4(ACTA2):c.55T>C (p.Cys19Arg)

Gene: ACTA2 (actin alpha 2, smooth muscle; minus strand). Cytogenetic location: 10q23.31.
Variant type: single nucleotide variant.
Coding change: c.55T>C on transcript NM_001613.4 (MANE Select); coding-DNA position 55, T replaced by C.
Protein change: p.Cys19Arg; replaces cysteine 19 with arginine.
Molecular consequence: missense variant.
Genome position (GRCh38, 1-based): chr10:88,948,876, A>G on the plus strand (T>C on the coding strand, the complement: ACTA2 is on the minus strand). VCF-style: chr10-88948876-A-G. GRCh37 (hg19) VCF-style: chr10-90708633-A-G.
Other names: c.55T>C, p.Cys19Arg (NM_001141945.3, NM_001320855.2, NM_001406462.1 and 7 more transcripts); short protein forms C19R.
Identifiers: ClinVar variation 1054067 (VCV001054067.9), dbSNP rs2133273980, ClinGen allele CA377513737.

ClinVar aggregate classification (germline): Likely pathogenic. Review status: criteria provided, multiple submitters, no conflicts (2 of 4 stars). 2 submissions from 2 submitters: Likely pathogenic (2). Last evaluated 2024-03-11.

Conditions:
Aortic aneurysm, familial thoracic 6 (AAT6). Also called: FAMILIAL THORACIC AORTIC ANEURYSM WITH LIVEDO RETICULARIS AND IRIS FLOCCULI. Identifiers: MedGen C2673186, MONDO:0012730, OMIM 611788.
ACTA2-related disorder. Also called: ACTA2-related condition; ACTA2-related disorders.

Submissions (2):

Labcorp Genetics (formerly Invitae), Labcorp
Classification: Likely pathogenic for Aortic aneurysm, familial thoracic 6. Last evaluated: 2024-03-11. Review status: criteria provided, single submitter. Criteria: Invitae Variant Classification Sherloc (09022015). Collection method: clinical testing. Allele origin: germline.
Comment: This sequence change replaces cysteine, which is neutral and slightly polar, with arginine, which is basic and polar, at codon 19 of the ACTA2 protein (p.Cys19Arg). This variant is not present in population databases (gnomAD no frequency). This missense change has been observed in individuals with aortic dissection or aneurysm (PMID: 25759435; Invitae). ClinVar contains an entry for this variant (Variation ID: 1054067). Advanced modeling of protein sequence and biophysical properties (such as structural, functional, and spatial information, amino acid conservation, physicochemical variation, residue mobility, and thermodynamic stability) has been performed at Invitae for this missense variant, however the output from this modeling did not meet the statistical confidence thresholds required to predict the impact of this variant on ACTA2 protein function. In summary, the currently available evidence indicates that the variant is pathogenic, but additional data are needed to prove that conclusively. Therefore, this variant has been classified as Likely Pathogenic.

Blueprint Genetics
Classification: Likely pathogenic for ACTA2-related disorders. Last evaluated: 2021-07-28. Review status: criteria provided, single submitter. Criteria: ACMG Guidelines, 2015. Collection method: clinical testing. Allele origin: germline. Affected: yes. Observed: 1 variant allele.

Literature cited by the submitters: PubMed 25759435 (cited by Labcorp Genetics (formerly Invitae), Labcorp).